The following is an entry in ClinVar:

ClinVar aggregate classification (germline): Uncertain significance (1 of 4 stars; one submission).

gnomAD v4.1: 2 of 1,613,868 alleles (0.00012%); highest among the groups gnomAD compares: Admixed American, 0.0033%; no homozygotes.

Submission:

Labcorp Genetics (formerly Invitae), Labcorp
Classification: Uncertain significance. Last evaluated: 2025-09-04. Review status: criteria provided, single submitter. Criteria: Invitae Variant Classification Sherloc (09022015). Collection method: clinical testing. Allele origin: germline.
Comment: This sequence change replaces isoleucine, which is neutral and non-polar, with methionine, which is neutral and non-polar, at codon 731 of the KANK2 protein (p.Ile731Met). This variant is present in population databases (no rsID available, gnomAD 0.006%). This variant has not been reported in the literature in individuals affected with KANK2-related conditions. An algorithm developed to predict the effect of missense changes on protein structure and function (PolyPhen-2) suggests that this variant is likely to be tolerated. In summary, the available evidence is currently insufficient to determine the role of this variant in disease. Therefore, it has been classified as a Variant of Uncertain Significance.

NM_001136191.3(KANK2):c.2193C>G (p.Ile731Met)

Gene: KANK2 (KN motif and ankyrin repeat domains 2; minus strand). Cytogenetic location: 19p13.2.
Variant type: single nucleotide variant.
Coding change: c.2193C>G on transcript NM_001136191.3 (MANE Select); coding-DNA position 2193, C replaced by G.
Protein change: p.Ile731Met; replaces isoleucine 731 with methionine.
Molecular consequence: missense variant.
Genome position (GRCh38, 1-based): chr19:11,172,999, G>C on the plus strand (C>G on the coding strand, the complement: KANK2 is on the minus strand). VCF-style: chr19-11172999-G-C. GRCh37 (hg19) VCF-style: chr19-11283675-G-C.
Other names: c.2193C>G, p.Ile731Met (NM_001329451.2, NM_001379555.1, NM_001379556.1 and 7 more transcripts); c.2217C>G, p.Ile739Met (NM_001379548.1, NM_001379549.1, NM_001379550.1 and 5 more transcripts); short protein forms I731M, I739M.
Identifiers: ClinVar variation 4763698 (VCV004763698.1).